The following is an entry in ClinVar:

ClinVar aggregate classification (germline): Pathogenic (1 of 4 stars; one submission).

Submission:

Labcorp Genetics (formerly Invitae), Labcorp
Classification: Pathogenic. Last evaluated: 2023-11-27. Review status: criteria provided, single submitter. Criteria: Invitae Variant Classification Sherloc (09022015). Collection method: clinical testing. Allele origin: germline.
Comment: This variant is a gross deletion of the genomic region encompassing exon(s) 39-47 of the USH2A gene. This deletion is out-of-frame, and is expected to create a premature termination codon and result in an absent or disrupted protein product. Loss-of-function variants in USH2A are known to be pathogenic (PMID: 10729113, 10909849, 20507924, 25649381). This variant has not been reported in the literature in individuals affected with USH2A-related conditions. For these reasons, this variant has been classified as Pathogenic.

Literature cited by the submitters: PubMed 10729113; PubMed 10909849; PubMed 20507924; PubMed 25649381.

NC_000001.10:g.(?_216011313)_(216074267_?)del

Gene: USH2A (usherin; minus strand). Cytogenetic location: 1q41.
Variant type: Deletion.
Identifiers: ClinVar variation 1457274 (VCV001457274.5).